The following is an entry in ClinVar:

ClinVar aggregate classification (germline): Uncertain significance (1 of 4 stars; one submission).

Conditions:
Inborn genetic diseases. Identifiers: MedGen C0950123, MeSH D030342.

Allele frequency attached by ClinVar (database versions not stated): gnomAD 0.00001.
gnomAD v4.1: 1 of 1,613,322 alleles (0.000062%); highest among the groups gnomAD compares: Admixed American, 0.0017%; no homozygotes.

Submission:

Ambry Genetics
Classification: Uncertain significance for Inborn genetic diseases. Last evaluated: 2022-10-20. Review status: criteria provided, single submitter. Criteria: Ambry Variant Classification Scheme 2023. Collection method: clinical testing. Allele origin: germline.
Comment: The p.A51D variant (also known as c.152C>A) is located in coding exon 2 of the LRRK2 gene. The alanine at codon 51 is replaced by aspartic acid, an amino acid with dissimilar properties. This change occurs in the first base pair of coding exon 2. This amino acid position is conserved. In addition, the in silico prediction for this alteration is inconclusive. Since supporting evidence is limited at this time, the clinical significance of this alteration remains unclear.

NM_198578.4(LRRK2):c.152C>A (p.Ala51Asp)

Gene: LRRK2 (leucine rich repeat kinase 2; plus strand). Cytogenetic location: 12q12.
Variant type: single nucleotide variant.
Coding change: c.152C>A on transcript NM_198578.4 (MANE Select); coding-DNA position 152, C replaced by A.
Protein change: p.Ala51Asp; replaces alanine 51 with aspartic acid.
Molecular consequence: missense variant.
Genome position (GRCh38, 1-based): chr12:40,225,555, C>A. VCF-style: chr12-40225555-C-A. GRCh37 (hg19) VCF-style: chr12-40619357-C-A.
Other names: short protein forms A51D.
Identifiers: ClinVar variation 1774587 (VCV001774587.2), dbSNP rs1940829289, ClinGen allele CA384398910.